The following is an entry in ClinVar:

ClinVar aggregate classification (germline): Uncertain significance (1 of 4 stars; one submission).

Allele frequency attached by ClinVar (database versions not stated): gnomAD exomes below 0.00001.

Submission:

Labcorp Genetics (formerly Invitae), Labcorp
Classification: Uncertain significance. Last evaluated: 2021-08-06. Review status: criteria provided, single submitter. Criteria: Invitae Variant Classification Sherloc (09022015). Collection method: clinical testing. Allele origin: germline.
Comment: This sequence change replaces glutamic acid with alanine at codon 20 of the SMARCB1 protein (p.Glu20Ala). The glutamic acid residue is moderately conserved and there is a moderate physicochemical difference between glutamic acid and alanine. This variant is not present in population databases (ExAC no frequency). This variant has not been reported in the literature in individuals affected with SMARCB1-related conditions. Algorithms developed to predict the effect of missense changes on protein structure and function (SIFT, PolyPhen-2, Align-GVGD) all suggest that this variant is likely to be tolerated. In summary, the available evidence is currently insufficient to determine the role of this variant in disease. Therefore, it has been classified as a Variant of Uncertain Significance.

NM_003073.5(SMARCB1):c.59A>C (p.Glu20Ala)

Gene: SMARCB1 (SWI/SNF related BAF chromatin remodeling complex subunit B1; plus strand). Cytogenetic location: 22q11.23.
Variant type: single nucleotide variant.
Coding change: c.59A>C on transcript NM_003073.5 (MANE Select); coding-DNA position 59, A replaced by C.
Protein change: p.Glu20Ala; replaces glutamic acid 20 with alanine.
Molecular consequence: missense variant.
Genome position (GRCh38, 1-based): chr22:23,787,228, A>C. VCF-style: chr22-23787228-A-C. GRCh37 (hg19) VCF-style: chr22-24129415-A-C.
Other names: c.59A>C, p.Glu20Ala (NM_001007468.3, NM_001317946.2, NM_001362877.2); short protein forms E20A.
Identifiers: ClinVar variation 1486330 (VCV001486330.6), dbSNP rs2145952083, ClinGen allele CA410930788.